The following is an entry in ClinVar:

ClinVar aggregate classification (germline): Likely pathogenic (1 of 4 stars; one submission).

Conditions:
Hypertrophic cardiomyopathy. Also called: HYPERTROPHIC MYOCARDIOPATHY. Identifiers: Orphanet 217569, MedGen C0007194, MeSH D002312, MONDO:0005045, HP:0001639.

Submission:

Labcorp Genetics (formerly Invitae), Labcorp
Classification: Likely pathogenic for Hypertrophic cardiomyopathy. Last evaluated: 2022-12-10. Review status: criteria provided, single submitter. Criteria: Invitae Variant Classification Sherloc (09022015). Collection method: clinical testing. Allele origin: germline.
Comment: This variant disrupts the p.Met852 amino acid residue in MYH7. Other variant(s) that disrupt this residue have been determined to be pathogenic (PMID: 12707239, 27247418). This suggests that this residue is clinically significant, and that variants that disrupt this residue are likely to be disease-causing. In summary, the currently available evidence indicates that the variant is pathogenic, but additional data are needed to prove that conclusively. Therefore, this variant has been classified as Likely Pathogenic. Advanced modeling of protein sequence and biophysical properties (such as structural, functional, and spatial information, amino acid conservation, physicochemical variation, residue mobility, and thermodynamic stability) performed at Invitae indicates that this missense variant is expected to disrupt MYH7 protein function. This sequence change replaces methionine, which is neutral and non-polar, with arginine, which is basic and polar, at codon 852 of the MYH7 protein (p.Met852Arg). This variant is not present in population databases (gnomAD no frequency). This missense change has been observed in individual(s) with clinical features of MYH7-related conditions (PMID: 20800588; Invitae). ClinVar contains an entry for this variant (Variation ID: 454357).

Literature cited by the submitters: PubMed 12707239; PubMed 27247418; PubMed 20800588.

NM_000257.4(MYH7):c.2555T>G (p.Met852Arg)

Genes: MYH7 (myosin heavy chain 7; minus strand), LOC126861898 (BRD4-independent group 4 enhancer GRCh37_chr14:23893609-23894808; plus strand). Cytogenetic location: 14q11.2.
Variant type: single nucleotide variant.
Coding change: c.2555T>G on transcript NM_000257.4 (MANE Select); coding-DNA position 2555, T replaced by G.
Protein change: p.Met852Arg; replaces methionine 852 with arginine.
Molecular consequence: missense variant.
Genome position (GRCh38, 1-based): chr14:23,424,893, A>C on the plus strand (T>G on the coding strand, the complement: MYH7 is on the minus strand). VCF-style: chr14-23424893-A-C. GRCh37 (hg19) VCF-style: chr14-23894102-A-C.
Other names: short protein forms M852R.
Identifiers: ClinVar variation 454357 (VCV000454357.9), dbSNP rs397516157, ClinGen allele CA389048167.